The following is an entry in ClinVar:

NM_001330195.2(NRXN3):c.363G>A (p.Thr121=)

Gene: NRXN3 (neurexin 3; plus strand). Cytogenetic location: 14q24.3.
Variant type: single nucleotide variant.
Coding change: c.363G>A on transcript NM_001330195.2 (MANE Select); coding-DNA position 363, G replaced by A.
Protein change: p.Thr121=; no amino-acid change (threonine 121 retained).
Molecular consequence: synonymous variant. On other transcripts: non-coding transcript variant (4).
Genome position (GRCh38, 1-based): chr14:78,243,456, G>A. VCF-style: chr14-78243456-G-A. GRCh37 (hg19) VCF-style: chr14-78709799-G-A.
Other names: c.363G>A, p.Thr121= (NM_001366425.1, NM_001366426.1).
Identifiers: ClinVar variation 3052007 (VCV003052007.6), dbSNP rs367867090, ClinGen allele CA7291320.

ClinVar aggregate classification (germline): Likely benign. Review status: criteria provided, single submitter (1 of 4 stars). 2 submissions from 2 submitters: Likely benign (1). 1 of the submissions does not count toward it. Last evaluated 2026-03-01.

Conditions:
NRXN3-related disorder. Also called: NRXN3-related condition.

Allele frequency attached by ClinVar (database versions not stated): gnomAD exomes 0.00006; ExAC 0.00030; gnomAD 0.00066; ESP Exome Variant Server 0.00070; TOPMed 0.00079; 1000 Genomes Project 30x 0.00109; 1000 Genomes Project 0.00120.
gnomAD v4.1: 188 of 1,579,524 alleles (0.012%); highest among the groups gnomAD compares: African/African-American, 0.2%; no homozygotes.

Submissions (2):

CeGaT Center for Human Genetics Tuebingen
Classification: Likely benign. Last evaluated: 2026-03-01. Review status: criteria provided, single submitter. Criteria: CeGaT Center For Human Genetics Tuebingen Variant Classification Criteria Version 2. Collection method: clinical testing. Allele origin: germline. Affected: yes. Observed: 1 variant allele.
Comment: NRXN3: BP4, BP7

PreventionGenetics, part of Exact Sciences
Classification: Likely benign for NRXN3-related condition. Last evaluated: 2021-12-16. Review status: no assertion criteria provided. Collection method: clinical testing. Allele origin: germline. Not counted in ClinVar's aggregate classification.
Comment: This variant is classified as likely benign based on ACMG/AMP sequence variant interpretation guidelines (Richards et al. 2015 PMID: 25741868, with internal and published modifications).